The following is an entry in ClinVar:

ClinVar aggregate classification (germline): Likely benign. Review status: criteria provided, multiple submitters, no conflicts (2 of 4 stars). 2 submissions from 2 submitters: Likely benign (2). Last evaluated 2025-09-26.

Allele frequency attached by ClinVar (database versions not stated): TOPMed 0.00002; gnomAD 0.00006; gnomAD exomes 0.00008; 1000 Genomes Project 0.00040; 1000 Genomes Project 30x 0.00078; ExAC 0.00196.

Submissions (2):

Mayo Clinic Laboratories, Mayo Clinic
Classification: Likely benign. Last evaluated: 2025-09-26. Review status: criteria provided, single submitter. Criteria: ACMG Guidelines, 2015. Collection method: clinical testing. Allele origin: germline. Observed: 1 variant allele.
Comment: BS2, BP4_moderate

Labcorp Genetics (formerly Invitae), Labcorp
Classification: Likely benign. Last evaluated: 2023-10-03. Review status: criteria provided, single submitter. Criteria: Invitae Variant Classification Sherloc (09022015). Collection method: clinical testing. Allele origin: germline.

NM_001114748.2(TMEM240):c.11G>C (p.Ser4Thr)

Gene: TMEM240 (transmembrane protein 240; minus strand). Cytogenetic location: 1p36.33.
Variant type: single nucleotide variant.
Coding change: c.11G>C on transcript NM_001114748.2 (MANE Select); coding-DNA position 11, G replaced by C.
Protein change: p.Ser4Thr; replaces serine 4 with threonine.
Molecular consequence: missense variant.
Genome position (GRCh38, 1-based): chr1:1,540,336, C>G on the plus strand (G>C on the coding strand, the complement: TMEM240 is on the minus strand). VCF-style: chr1-1540336-C-G. GRCh37 (hg19) VCF-style: chr1-1475716-C-G.
Other names: p.Ser4Thr; short protein forms S4T.
Identifiers: ClinVar variation 3019071 (VCV003019071.4), dbSNP rs561063770, ClinGen allele CA526733.